The following is an entry in ClinVar:

ClinVar aggregate classification (germline): Benign (1 of 4 stars; one submission).

Allele frequency attached by ClinVar (database versions not stated): gnomAD 0.67667 and 0.68114; 1000 Genomes Project 0.72264; TOPMed 0.69060; 1000 Genomes Project 30x 0.71643.
gnomAD v4.1: 103,363 of 151,462 alleles (68%); highest among the groups gnomAD compares: East Asian, 87%; 35,631 homozygotes.

Submission:

GeneDx
Classification: Benign. Last evaluated: 2018-06-14. Review status: criteria provided, single submitter. Criteria: GeneDx Variant Classification (06012015). Collection method: clinical testing. Allele origin: germline. Affected: yes.
Comment: This variant is considered likely benign or benign based on one or more of the following criteria: it is a conservative change, it occurs at a poorly conserved position in the protein, it is predicted to be benign by multiple in silico algorithms, and/or has population frequency not consistent with disease.

NM_001384140.1(PCDH15):c.3123-244A>C

Gene: PCDH15 (protocadherin related 15; minus strand). Cytogenetic location: 10q21.1.
Variant type: single nucleotide variant.
Coding change: c.3123-244A>C on transcript NM_001384140.1 (MANE Select); 244 bases into the intron before coding-DNA position 3123, A replaced by C.
Molecular consequence: intron variant.
Genome position (GRCh38, 1-based): chr10:53,941,219, T>G on the plus strand (A>C on the coding strand, the complement: PCDH15 is on the minus strand). VCF-style: chr10-53941219-T-G. GRCh37 (hg19) VCF-style: chr10-55700979-T-G.
Other names: c.3123-244A>C (NM_001354420.2, NM_001354429.2, NM_001142772.2 and 4 more transcripts); c.3138-244A>C (NM_001142771.2, NM_001142763.2); c.3144-244A>C (NM_001354411.2); c.3159-244A>C (NM_001142769.3); c.3057-244A>C (NM_001354404.2, NM_001142773.2, NM_001142768.2); c.3012-244A>C (NM_001142767.2); c.2910-244A>C (NM_001142765.2).
Identifiers: ClinVar variation 678860 (VCV000678860.1), dbSNP rs2384341, ClinGen allele CA13341498.
Genomic context (GRCh38, chr10:53,941,219, plus strand): 5'-CTACATTGACCCATTATCACTGAAAGTCCATCATTTACATGAGGGTGCATATTGTTGTTG[T>G]ACATTTTATGAGTTTGGACAAATGTGTAATGGCATGTATCCGCTTTCATGTAGTATCATA-3'